The following is an entry in ClinVar:

ClinVar aggregate classification (germline): Uncertain significance. Review status: criteria provided, multiple submitters, no conflicts (2 of 4 stars). 2 submissions from 2 submitters: Uncertain significance (2). Last evaluated 2023-10-13.

Conditions:
Inborn genetic diseases. Identifiers: MedGen C0950123, MeSH D030342.

Allele frequency attached by ClinVar (database versions not stated): ExAC 0.00009; ESP Exome Variant Server 0.00015; 1000 Genomes Project 30x 0.00016; TOPMed 0.00019; 1000 Genomes Project 0.00020.

Submissions (2):

Labcorp Genetics (formerly Invitae), Labcorp
Classification: Uncertain significance. Last evaluated: 2023-10-13. Review status: criteria provided, single submitter. Criteria: Invitae Variant Classification Sherloc (09022015). Collection method: clinical testing. Allele origin: germline.
Comment: This sequence change replaces arginine, which is basic and polar, with histidine, which is basic and polar, at codon 88 of the NDUFA12 protein (p.Arg88His). This variant is present in population databases (rs371084211, gnomAD 0.06%). This variant has not been reported in the literature in individuals affected with NDUFA12-related conditions. ClinVar contains an entry for this variant (Variation ID: 1509281). An algorithm developed to predict the effect of missense changes on protein structure and function (PolyPhen-2) suggests that this variant¬†is likely to be tolerated. In summary, the available evidence is currently insufficient to determine the role of this variant in disease. Therefore, it has been classified as a Variant of Uncertain Significance.

Ambry Genetics
Classification: Uncertain significance for Inborn genetic diseases. Last evaluated: 2022-07-29. Review status: criteria provided, single submitter. Criteria: Ambry Variant Classification Scheme 2023. Collection method: clinical testing. Allele origin: germline.

NM_018838.5(NDUFA12):c.263G>A (p.Arg88His)

Gene: NDUFA12 (NADH:ubiquinone oxidoreductase subunit A12; minus strand). Cytogenetic location: 12q22.
Variant type: single nucleotide variant.
Coding change: c.263G>A on transcript NM_018838.5 (MANE Select); coding-DNA position 263, G replaced by A.
Protein change: p.Arg88His; replaces arginine 88 with histidine.
Molecular consequence: missense variant.
Genome position (GRCh38, 1-based): chr12:94,971,615, C>T on the plus strand (G>A on the coding strand, the complement: NDUFA12 is on the minus strand). VCF-style: chr12-94971615-C-T. GRCh37 (hg19) VCF-style: chr12-95365391-C-T.
Other names: c.175G>A, p.Val59Ile (NM_001258338.2); c.263G>A (NM_018838.3); short protein forms R88H, V59I.
Identifiers: ClinVar variation 1509281 (VCV001509281.7), dbSNP rs371084211, ClinGen allele CA6722520.